The following is an entry in ClinVar:

NM_001044385.3(TMEM237):c.317C>G (p.Ser106Cys)

Gene: TMEM237 (transmembrane protein 237; minus strand). Cytogenetic location: 2q33.1.
Variant type: single nucleotide variant.
Coding change: c.317C>G on transcript NM_001044385.3 (MANE Select); coding-DNA position 317, C replaced by G.
Protein change: p.Ser106Cys; replaces serine 106 with cysteine.
Molecular consequence: missense variant.
Genome position (GRCh38, 1-based): chr2:201,633,389, G>C on the plus strand (C>G on the coding strand, the complement: TMEM237 is on the minus strand). VCF-style: chr2-201633389-G-C. GRCh37 (hg19) VCF-style: chr2-202498112-G-C.
Other names: c.293C>G, p.Ser98Cys (NM_152388.4); short protein forms S106C, S98C.
Identifiers: ClinVar variation 951650 (VCV000951650.14), dbSNP rs1186656902, ClinGen allele CA350314186.

ClinVar aggregate classification (germline): Uncertain significance. Review status: criteria provided, multiple submitters, no conflicts (2 of 4 stars). 4 submissions from 4 submitters: Uncertain significance (2). 2 of the submissions do not count toward it. Last evaluated 2024-03-22.

Conditions:
Joubert syndrome 14 (JBTS14). Identifiers: MedGen C3280766, MONDO:0013745, OMIM 614424.

Allele frequency attached by ClinVar (database versions not stated): gnomAD 0.00001; gnomAD exomes 0.00003.
gnomAD v4.1: 33 of 1,577,372 alleles (0.0021%); highest among the groups gnomAD compares: Non-Finnish European, 0.0027%; no homozygotes.

Submissions (4):

Fulgent Genetics
Classification: Uncertain significance for Joubert syndrome 14. Last evaluated: 2024-03-22. Review status: criteria provided, single submitter. Criteria: ACMG Guidelines, 2015. Collection method: clinical testing. Allele origin: germline.

Labcorp Genetics (formerly Invitae), Labcorp
Classification: Uncertain significance for Joubert syndrome 14. Last evaluated: 2019-11-13. Review status: criteria provided, single submitter. Criteria: Invitae Variant Classification Sherloc (09022015). Collection method: clinical testing. Allele origin: germline.
Comment: In summary, the available evidence is currently insufficient to determine the role of this variant in disease. Therefore, it has been classified as a Variant of Uncertain Significance. Algorithms developed to predict the effect of missense changes on protein structure and function are either unavailable or do not agree on the potential impact of this missense change (SIFT: "Deleterious"; PolyPhen-2: "Possibly Damaging"; Align-GVGD: "Class C0"). This sequence change replaces serine with cysteine at codon 106 of the TMEM237 protein (p.Ser106Cys). The serine residue is moderately conserved and there is a moderate physicochemical difference between serine and cysteine. This variant is not present in population databases (ExAC no frequency). This variant has not been reported in the literature in individuals with TMEM237-related conditions.

Clinical Genetics DNA and cytogenetics Diagnostics Lab, Erasmus MC, Erasmus Medical Center
Classification: Uncertain significance. Review status: no assertion criteria provided. Collection method: clinical testing. Allele origin: germline. Affected: yes. Study: VKGL Data-share Consensus. Not counted in ClinVar's aggregate classification.

Diagnostic Laboratory, Department of Genetics, University Medical Center Groningen
Classification: Uncertain significance. Review status: no assertion criteria provided. Collection method: clinical testing. Allele origin: germline. Affected: yes. Study: VKGL Data-share Consensus. Not counted in ClinVar's aggregate classification.